The following is an entry in ClinVar:

ClinVar aggregate classification (germline): Pathogenic. Review status: criteria provided, multiple submitters, no conflicts (2 of 4 stars). 3 submissions from 3 submitters: Pathogenic (3). Last evaluated 2021-12-08.

Conditions:
Hereditary cancer-predisposing syndrome. Also called: Hereditary neoplastic syndrome; Neoplastic Syndromes, Hereditary; Tumor predisposition; Hereditary Cancer Syndrome. Identifiers: Orphanet 140162, MedGen C0027672, MeSH D009386, MONDO:0015356.
Microcephaly, normal intelligence and immunodeficiency (NBS). Also called: IMMUNODEFICIENCY, MICROCEPHALY, AND CHROMOSOMAL INSTABILITY; SEEMANOVA SYNDROME II; Nijmegen breakage syndrome; Microcephaly with normal intelligence immunodeficiency and lymphoreticular malignancies; Nonsyndromal microcephaly autosomal recessive with normal intelligence; Seemanova syndrome 2. Identifiers: Orphanet 647, MedGen C0398791, MONDO:0009623, OMIM 251260.

Submissions (3):

Labcorp Genetics (formerly Invitae), Labcorp
Classification: Pathogenic for Microcephaly, normal intelligence and immunodeficiency. Last evaluated: 2021-12-08. Review status: criteria provided, single submitter. Criteria: Invitae Variant Classification Sherloc (09022015). Collection method: clinical testing. Allele origin: germline.
Comment: This variant has not been reported in the literature in individuals affected with NBN-related conditions. This sequence change creates a premature translational stop signal (p.Pro306Leufs*9) in the NBN gene. It is expected to result in an absent or disrupted protein product. Loss-of-function variants in NBN are known to be pathogenic (PMID: 9590180, 16415040). This variant is not present in population databases (gnomAD no frequency). ClinVar contains an entry for this variant (Variation ID: 483998). For these reasons, this variant has been classified as Pathogenic.

Genome-Nilou Lab
Classification: Pathogenic for Microcephaly, normal intelligence and immunodeficiency. Last evaluated: 2021-11-07. Review status: criteria provided, single submitter. Criteria: ACMG Guidelines, 2015. Collection method: clinical testing. Allele origin: germline. Affected: no.

Ambry Genetics
Classification: Pathogenic for Hereditary cancer-predisposing syndrome. Last evaluated: 2017-07-10. Review status: criteria provided, single submitter. Criteria: Ambry Variant Classification Scheme 2023. Collection method: clinical testing. Allele origin: germline.
Comment: The c.917delC pathogenic mutation, located in coding exon 8 of the NBN gene, results from a deletion of one nucleotide at nucleotide position 917, causing a translational frameshift with a predicted alternate stop codon (p.P306Lfs*9). This alteration is expected to result in loss of function by premature protein truncation or nonsense-mediated mRNA decay. As such, this alteration is interpreted as a disease-causing mutation.

Literature cited by the submitters: PubMed 9590180 (cited by Labcorp Genetics (formerly Invitae), Labcorp); PubMed 16415040 (cited by Labcorp Genetics (formerly Invitae), Labcorp).

NM_002485.5(NBN):c.917del (p.Pro306fs)

Gene: NBN (nibrin; minus strand). Cytogenetic location: 8q21.3.
Variant type: Deletion.
Coding change: c.917del on transcript NM_002485.5 (MANE Select); coding-DNA position 917, one base deleted (C; older notation c.917delC).
Protein change: p.Pro306fs; shifts the reading frame from proline 306.
Molecular consequence: frameshift variant.
Genome position (GRCh38, 1-based): chr8:89,964,487, G deleted on the plus strand (C on the coding strand, the reverse complement: NBN is on the minus strand); the first of 2 consecutive G bases (chr8:89,964,487-89,964,488); deleting either gives the same sequence. VCF-style (leftmost placement, unchanged base first): chr8-89964486-AG-A. GRCh37 (hg19) VCF-style: chr8-90976714-AG-A.
Other names: c.917delC (NM_002485.4); c.671del, p.Pro224fs (NM_001024688.3); short protein forms P306fs, P224fs.
Identifiers: ClinVar variation 483998 (VCV000483998.13), dbSNP rs1554562185, ClinGen allele CA658657803.